The following is an entry in ClinVar:

ClinVar aggregate classification (germline): Conflicting classifications of pathogenicity. Review status: criteria provided, conflicting classifications (1 of 4 stars). 4 submissions from 4 submitters: Likely pathogenic (1); Uncertain significance (3). Last evaluated 2024-11-07.

Conditions:
Neutral 1 amino acid transport defect (HND). Also called: HARTNUP DISORDER; Hartnup disease. Identifiers: Orphanet 2116, MedGen C0018609, MONDO:0009324, OMIM 234500.

Allele frequency attached by ClinVar (database versions not stated): gnomAD 0.00013; TOPMed 0.00016; ExAC 0.00017; 1000 Genomes Project 0.00020; 1000 Genomes Project 30x 0.00031; ESP Exome Variant Server 0.00054.
gnomAD v4.1: 322 of 1,613,954 alleles (0.02%); highest among the groups gnomAD compares: Non-Finnish European, 0.026%; no homozygotes.

Submissions (4):

Blueprint Genetics
Classification: Uncertain significance. Last evaluated: 2024-11-07. Review status: criteria provided, single submitter. Criteria: ACMG Guidelines, 2015. Collection method: clinical testing. Allele origin: germline.

Fulgent Genetics
Classification: Uncertain significance for Neutral 1 amino acid transport defect. Last evaluated: 2024-06-25. Review status: criteria provided, single submitter. Criteria: ACMG Guidelines, 2015. Collection method: clinical testing. Allele origin: germline.

GeneDx
Classification: Likely pathogenic. Last evaluated: 2024-02-29. Review status: criteria provided, single submitter. Criteria: GeneDx Variant Classification Process June 2021. Collection method: clinical testing. Allele origin: germline. Affected: yes.
Comment: Observed with a pathogenic variant in two related individuals with features of Hartnup disorder in published literature, but it is not known whether the variants were on the same (in cis) or different alleles (in trans) (PMID: 18484095); Published functional studies suggest a damaging effect with reduction of leucine uptake (PMID: 18484095); In silico analysis supports that this missense variant has a deleterious effect on protein structure/function; This variant is associated with the following publications: (PMID: 18484095)

Labcorp Genetics (formerly Invitae), Labcorp
Classification: Uncertain significance. Last evaluated: 2022-08-09. Review status: criteria provided, single submitter. Criteria: Invitae Variant Classification Sherloc (09022015). Collection method: clinical testing. Allele origin: germline.
Comment: This sequence change replaces arginine, which is basic and polar, with cysteine, which is neutral and slightly polar, at codon 328 of the SLC6A19 protein (p.Arg328Cys). This variant is present in population databases (rs142164435, gnomAD 0.03%). This missense change has been observed in individual(s) with Hartnup disease (PMID: 18484095). Advanced modeling of protein sequence and biophysical properties (such as structural, functional, and spatial information, amino acid conservation, physicochemical variation, residue mobility, and thermodynamic stability) performed at Invitae indicates that this missense variant is expected to disrupt SLC6A19 protein function. Experimental studies have shown that this missense change affects SLC6A19 function (PMID: 18484095). In summary, the available evidence is currently insufficient to determine the role of this variant in disease. Therefore, it has been classified as a Variant of Uncertain Significance.

Literature cited by the submitters: PubMed 18484095 (cited by Labcorp Genetics (formerly Invitae), Labcorp).

NM_001003841.3(SLC6A19):c.982C>T (p.Arg328Cys)

Gene: SLC6A19 (solute carrier family 6 member 19; plus strand). Cytogenetic location: 5p15.33.
Variant type: single nucleotide variant.
Coding change: c.982C>T on transcript NM_001003841.3 (MANE Select); coding-DNA position 982, C replaced by T.
Protein change: p.Arg328Cys; replaces arginine 328 with cysteine.
Molecular consequence: missense variant.
Genome position (GRCh38, 1-based): chr5:1,216,652, C>T. VCF-style: chr5-1216652-C-T. GRCh37 (hg19) VCF-style: chr5-1216767-C-T.
Other names: c.982C>T (NM_001003841.2); short protein forms R328C.
Identifiers: ClinVar variation 2057183 (VCV002057183.4), dbSNP rs142164435, ClinGen allele CA3182972.